The following is an entry in ClinVar:

NM_005006.7(NDUFS1):c.154-126TAGA[8]

Gene: NDUFS1 (NADH:ubiquinone oxidoreductase core subunit S1; minus strand). Cytogenetic location: 2q33.3.
Variant type: Microsatellite.
Coding change: c.154-126TAGA[8] on transcript NM_005006.7 (MANE Select); eight copies in a row of the 4-base unit TAGA starting at c.154-126; the reference has seven copies in a row; one copy, 4 bases duplicated.
Molecular consequence: intron variant.
Genome position (GRCh38, 1-based): chr2:206,150,024-206,150,027, TCTA duplicated on the plus strand (TAGA on the coding strand, the reverse complement: NDUFS1 is on the minus strand); duplicating any 4 consecutive bases within chr2:206,150,024-206,150,054 gives the same sequence; the position shown is the placement nearest the transcript's 3' end. VCF-style (leftmost placement, unchanged base first): chr2-206150023-T-TTCTA. GRCh37 (hg19) VCF-style: chr2-207014747-T-TTCTA.
Other names: c.6-2217TAGA[8] (NM_001199982.2); c.-18-126TAGA[8] (NM_001199983.2); c.154-955TAGA[8] (NM_001199981.2); c.196-126TAGA[8] (NM_001199984.2).
Identifiers: ClinVar variation 676087 (VCV000676087.2), dbSNP rs3217140, ClinGen allele CA63670354.

ClinVar aggregate classification (germline): Benign. Review status: criteria provided, multiple submitters, no conflicts (2 of 4 stars). 2 submissions from 2 submitters: Benign (2). Last evaluated 2019-05-28.

Conditions:
Leigh syndrome (NULS). Also called: Leigh Syndrome (mtDNA deletion); Leigh's syndrome; Leigh Disease; LEIGH SYNDROME, NUCLEAR; Subacute necrotizing encephalopathy; Necrotizing encephalopathy infantile subacute of Leigh. Identifiers: Orphanet 506, MedGen C2931891, MONDO:0009723, OMIM 256000.

Submissions (2):

Mendelics
Classification: Benign for Leigh syndrome. Last evaluated: 2019-05-28. Review status: criteria provided, single submitter. Criteria: Mendelics Assertion Criteria 2017. Collection method: clinical testing. Allele origin: unknown.

GeneDx
Classification: Benign. Last evaluated: 2018-06-16. Review status: criteria provided, single submitter. Criteria: GeneDx Variant Classification (06012015). Collection method: clinical testing. Allele origin: germline. Affected: yes.
Comment: This variant is considered likely benign or benign based on one or more of the following criteria: it is a conservative change, it occurs at a poorly conserved position in the protein, it is predicted to be benign by multiple in silico algorithms, and/or has population frequency not consistent with disease.